The following is an entry in ClinVar:

NM_004006.3(DMD):c.1993-37T>G

Gene: DMD (dystrophin; minus strand). Cytogenetic location: Xp21.1.
Variant type: single nucleotide variant.
Coding change: c.1993-37T>G on transcript NM_004006.3 (MANE Select); 37 bases into the intron before coding-DNA position 1993, T replaced by G.
Molecular consequence: intron variant.
Genome position (GRCh38, 1-based): chrX:32,545,371, A>C on the plus strand (T>G on the coding strand, the complement: DMD is on the minus strand). VCF-style: chrX-32545371-A-C. GRCh37 (hg19) VCF-style: chrX-32563488-A-C.
Other names: c.1969-37T>G (NM_000109.4); c.1981-37T>G (NM_004009.3); c.1624-37T>G (NM_004010.3).
Identifiers: ClinVar variation 671083 (VCV000671083.7), dbSNP rs115571, ClinGen allele CA10379662.

ClinVar aggregate classification (germline): Benign. Review status: criteria provided, multiple submitters, no conflicts (2 of 4 stars). 6 submissions from 5 submitters: Benign (5). 1 of the submissions does not count toward it. Last evaluated 2026-09-21.

Conditions:
Cardiomyopathy (CMYO). Also called: Cardiomyopathies. Identifiers: Orphanet 167848, MedGen C0878544, MONDO:0004994, HP:0001638. Inheritance: Various modes of inheritance.
Becker muscular dystrophy (BMD). Also called: Becker Muscular Dystrophy (BMD); MUSCULAR DYSTROPHY, PSEUDOHYPERTROPHIC PROGRESSIVE, BECKER TYPE. Identifiers: Orphanet 98895, MedGen C0917713, MONDO:0010311, OMIM 300376.
Duchenne muscular dystrophy (DMD). Also called: MUSCULAR DYSTROPHY, PSEUDOHYPERTROPHIC PROGRESSIVE, DUCHENNE TYPE; Duchenne Muscular Dystrophy (DMD). Identifiers: Orphanet 98896, MedGen C0013264, MONDO:0010679, OMIM 310200.
Dystrophin deficiency.
Dilated cardiomyopathy 3B (CMD3B). Also called: CMD3B: DMD-Related Dilated Cardiomyopathy; CARDIOMYOPATHY, DILATED, X-LINKED; DMD-Associated Dilated Cardiomyopathy. Identifiers: Orphanet 154, MedGen C3668940, MONDO:0010542, OMIM 302045.

Allele frequency attached by ClinVar (database versions not stated): gnomAD 0.71699; ESP Exome Variant Server 0.70770; TOPMed 0.74116; 1000 Genomes Project 0.79603; 1000 Genomes Project 30x 0.80166.

Submissions (6):

Molecular Diagnostic Laboratory for Inherited Cardiovascular Disease, Montreal Heart Institute
Classification: Benign. Last evaluated: 2026-09-21. Review status: criteria provided, single submitter. Criteria: ACMG Guidelines, 2015. Collection method: clinical testing. Allele origin: germline. Affected: no.
Comment: BA1

Genome-Nilou Lab
Classification: Benign for Dilated cardiomyopathy 3B. Last evaluated: 2021-07-30. Review status: criteria provided, single submitter. Criteria: ACMG Guidelines, 2015. Collection method: clinical testing. Allele origin: germline. Affected: no.

Genome-Nilou Lab
Classification: Benign for Duchenne muscular dystrophy. Last evaluated: 2021-07-30. Review status: criteria provided, single submitter. Criteria: ACMG Guidelines, 2015. Collection method: clinical testing. Allele origin: germline. Affected: no.

GeneDx
Classification: Benign. Last evaluated: 2018-06-14. Review status: criteria provided, single submitter. Criteria: GeneDx Variant Classification (06012015). Collection method: clinical testing. Allele origin: germline. Affected: yes.
Comment: This variant is considered likely benign or benign based on one or more of the following criteria: it is a conservative change, it occurs at a poorly conserved position in the protein, it is predicted to be benign by multiple in silico algorithms, and/or has population frequency not consistent with disease.

Breakthrough Genomics
Classification: Benign. Review status: criteria provided, single submitter. Criteria: ACMG Guidelines, 2015. Collection method: not provided. Allele origin: germline. Inheritance: X-linked inheritance. Affected: yes.

Natera, Inc.
Classification: Benign for Becker muscular dystrophy; Cardiomyopathy; Duchenne muscular dystrophy; Dystrophin deficiency. Last evaluated: 2017-08-08. Review status: no assertion criteria provided. Collection method: clinical testing. Allele origin: germline. Not counted in ClinVar's aggregate classification.